The following is an entry in ClinVar:

ClinVar aggregate classification (germline): Uncertain significance (1 of 4 stars; one submission).

Conditions:
Ullrich congenital muscular dystrophy 2 (UCMD2). Identifiers: Orphanet 75840, MedGen C4225314, MONDO:0014654, OMIM 616470.
Bethlem myopathy 2 (BTHLM2). Identifiers: Orphanet 536516, Orphanet 610, MedGen C4225313, MONDO:0034022, OMIM 616471.

Allele frequency attached by ClinVar (database versions not stated): gnomAD 0.00001; gnomAD exomes below 0.00001.
gnomAD v4.1: 3 of 1,613,984 alleles (0.00019%); highest among the groups gnomAD compares: African/African-American, 0.0027%; no homozygotes.

Submission:

Labcorp Genetics (formerly Invitae), Labcorp
Classification: Uncertain significance for Bethlem myopathy 2; Ullrich congenital muscular dystrophy 2. Last evaluated: 2026-01-22. Review status: criteria provided, single submitter. Criteria: Invitae Variant Classification Sherloc (09022015). Collection method: clinical testing. Allele origin: germline.
Comment: This sequence change replaces tyrosine, which is neutral and polar, with histidine, which is basic and polar, at codon 1874 of the COL12A1 protein (p.Tyr1874His). This variant is not present in population databases (gnomAD no frequency). This variant has not been reported in the literature in individuals affected with COL12A1-related conditions. ClinVar contains an entry for this variant (Variation ID: 1041953). Invitae Evidence Modeling of protein sequence and biophysical properties (such as structural, functional, and spatial information, amino acid conservation, physicochemical variation, residue mobility, and thermodynamic stability) has been performed for this missense variant. However, the output from this modeling did not meet the statistical confidence thresholds required to predict the impact of this variant on COL12A1 protein function. In summary, the available evidence is currently insufficient to determine the role of this variant in disease. Therefore, it has been classified as a Variant of Uncertain Significance.

NM_004370.6(COL12A1):c.5620T>C (p.Tyr1874His)

Gene: COL12A1 (collagen type XII alpha 1 chain; minus strand). Cytogenetic location: 6q13.
Variant type: single nucleotide variant.
Coding change: c.5620T>C on transcript NM_004370.6 (MANE Select); coding-DNA position 5620, T replaced by C.
Protein change: p.Tyr1874His; replaces tyrosine 1874 with histidine.
Molecular consequence: missense variant.
Genome position (GRCh38, 1-based): chr6:75,133,902, A>G on the plus strand (T>C on the coding strand, the complement: COL12A1 is on the minus strand). VCF-style: chr6-75133902-A-G. GRCh37 (hg19) VCF-style: chr6-75843618-A-G.
Other names: c.2128T>C, p.Tyr710His (NM_080645.3); short protein forms Y710H, Y1874H.
Identifiers: ClinVar variation 1041953 (VCV001041953.10), dbSNP rs1766439644, ClinGen allele CA364734936.